The following is an entry in ClinVar:

ClinVar aggregate classification (germline): Pathogenic (1 of 4 stars; one submission).

Conditions:
Hyperekplexia 3 (HKPX3). Also called: HYPEREKPLEXIA 3, AUTOSOMAL RECESSIVE; HYPEREKPLEXIA 3, AUTOSOMAL DOMINANT. Identifiers: Orphanet 3197, MedGen C3553288, MONDO:0013827, OMIM 614618.

Submission:

Labcorp Genetics (formerly Invitae), Labcorp
Classification: Pathogenic for Hyperekplexia 3. Last evaluated: 2023-02-08. Review status: criteria provided, single submitter. Criteria: Invitae Variant Classification Sherloc (09022015). Collection method: clinical testing. Allele origin: germline.
Comment: For these reasons, this variant has been classified as Pathogenic. This variant has not been reported in the literature in individuals affected with SLC6A5-related conditions. This variant is present in population databases (no rsID available, gnomAD 0.007%). This sequence change creates a premature translational stop signal (p.Pro561Valfs*16) in the SLC6A5 gene. It is expected to result in an absent or disrupted protein product. Loss-of-function variants in SLC6A5 are known to be pathogenic (PMID: 14622583, 16751771, 22700964).

Literature cited by the submitters: PubMed 14622583; PubMed 16751771; PubMed 22700964.

NM_004211.5(SLC6A5):c.1680_1681del (p.Pro561fs)

Gene: SLC6A5 (solute carrier family 6 member 5; plus strand). Cytogenetic location: 11p15.1.
Variant type: Microsatellite.
Coding change: c.1680_1681del on transcript NM_004211.5 (MANE Select); coding-DNA positions 1680 to 1681, 2 bases deleted (TC; older notation c.1680_1681delTC).
Protein change: p.Pro561fs; shifts the reading frame from proline 561.
Molecular consequence: frameshift variant.
Genome position (GRCh38, 1-based): chr11:20,636,362-20,636,363, TC deleted; deleting any 2 consecutive bases within chr11:20,636,355-20,636,363 gives the same sequence; the c. name uses the placement nearest the transcript's 3' end. VCF-style (leftmost placement, unchanged base first): chr11-20636354-CCT-C. GRCh37 (hg19) VCF-style: chr11-20657900-CCT-C.
Other names: c.978_979del, p.Pro327fs (NM_001318369.2); short protein forms P561fs, P327fs.
Identifiers: ClinVar variation 2991866 (VCV002991866.3), dbSNP rs1468013577, ClinGen allele CA597487628.